The following is an entry in ClinVar:

ClinVar aggregate classification (germline): Conflicting classifications of pathogenicity. Review status: criteria provided, conflicting classifications (1 of 4 stars). 9 submissions from 9 submitters: Uncertain significance (3); Benign (1); Likely benign (3). 2 of the submissions do not count toward it. Last evaluated 2025-12-13.

Conditions:
Hereditary cancer-predisposing syndrome. Also called: Hereditary neoplastic syndrome; Neoplastic Syndromes, Hereditary; Tumor predisposition; Hereditary Cancer Syndrome. Identifiers: Orphanet 140162, MedGen C0027672, MeSH D009386, MONDO:0015356.
Hereditary breast ovarian cancer syndrome. Also called: Breast and ovarian cancer; BRCA1- and BRCA2-Associated Hereditary Breast and Ovarian Cancer; Hereditary breast and/or ovarian cancer syndrome; Hereditary breast and ovarian cancer; Hereditary breast and ovarian cancer syndrome; Hereditary breast and ovarian cancer syndrome (HBOC). Identifiers: Orphanet 145, MedGen C0677776, MeSH D061325, MONDO:0003582. Disease mechanism: loss of function.
Breast-ovarian cancer, familial, susceptibility to, 2 (BROVCA2). Also called: BRCA2 Hereditary Breast and Ovarian Cancer. Identifiers: Orphanet 145, MedGen C2675520, MONDO:0012933, OMIM 612555. Disease mechanism: loss of function.

Allele frequency attached by ClinVar (database versions not stated): ESP Exome Variant Server 0.00008; gnomAD 0.00001; gnomAD exomes 0.00001; TOPMed below 0.00001; ExAC 0.00001.
gnomAD v4.1: 8 of 1,612,062 alleles (0.0005%); highest among the groups gnomAD compares: East Asian, 0.0022%; no homozygotes.

Submissions (9):

Labcorp Genetics (formerly Invitae), Labcorp
Classification: Likely benign for Hereditary breast ovarian cancer syndrome. Last evaluated: 2025-12-13. Review status: criteria provided, single submitter. Criteria: Invitae Variant Classification Sherloc (09022015). Collection method: clinical testing. Allele origin: germline.

All of Us Research Program, National Institutes of Health
Classification: Uncertain significance for Breast-ovarian cancer, familial, susceptibility to, 2. Last evaluated: 2023-04-03. Review status: criteria provided, single submitter. Criteria: ACMG Guidelines, 2015. Collection method: clinical testing. Allele origin: germline. Inheritance: Autosomal dominant inheritance. Observed: 1 variant allele, 1 heterozygote.
Comment: This variant causes a T to C nucleotide substitution at the +4 position of intron 2 of the BRCA2 gene. To our knowledge, RNA studies have not been reported for this variant. This variant has been reported in an individual affected with colorectal cancer (PMID: 28135145). This variant has been identified in 1/245274 chromosomes in the general population by the Genome Aggregation Database (gnomAD). The available evidence is insufficient to determine the role of this variant in disease conclusively. Therefore, this variant is classified as a Variant of Uncertain Significance.

This study involves interpretation of variants in research participants for the purpose of population health screening. Participant phenotype was not available at the time of variant classification. Additional details can be found in publication PMID: 35346344, PMCID: PMC8962531

Color Diagnostics, LLC DBA Color Health
Classification: Uncertain significance for Hereditary cancer-predisposing syndrome. Last evaluated: 2023-03-22. Review status: criteria provided, single submitter. Criteria: ACMG Guidelines, 2015. Collection method: clinical testing. Allele origin: germline.
Comment: This variant causes a T to C nucleotide substitution at the +4 position of intron 2 of the BRCA2 gene. To our knowledge, RNA studies have not been reported for this variant. This variant has been reported in an individual affected with colorectal cancer (PMID: 28135145). This variant has been identified in 1/245274 chromosomes in the general population by the Genome Aggregation Database (gnomAD). The available evidence is insufficient to determine the role of this variant in disease conclusively. Therefore, this variant is classified as a Variant of Uncertain Significance.

Ambry Genetics
Classification: Likely benign for Hereditary cancer-predisposing syndrome. Last evaluated: 2019-10-15. Review status: criteria provided, single submitter. Criteria: Ambry Variant Classification Scheme 2023. Collection method: clinical testing. Allele origin: germline.

Genome Diagnostics Laboratory, University Medical Center Utrecht
Classification: Likely benign for Breast-ovarian cancer, familial, susceptibility to, 2. Last evaluated: 2017-07-28. Review status: criteria provided, single submitter. Criteria: ACGS Guidelines, 2013. Collection method: clinical testing. Allele origin: germline. Affected: yes. Study: VKGL Data-share Consensus.

Molecular Genetics Laboratory, University of Michigan
Classification: Uncertain significance for Breast-ovarian cancer, familial, susceptibility to, 2. Last evaluated: 2016-04-21. Review status: criteria provided, single submitter. Criteria: ACMG Guidelines, 2015. Collection method: clinical testing. Allele origin: germline. Affected: yes.

Clinical Genetics DNA and cytogenetics Diagnostics Lab, Erasmus MC, Erasmus Medical Center
Classification: Benign for Breast-ovarian cancer, familial, susceptibility to, 2. Last evaluated: 2015-09-21. Review status: criteria provided, single submitter. Criteria: ACGS Guidelines, 2013. Collection method: clinical testing. Allele origin: germline. Affected: yes. Study: VKGL Data-share Consensus.

Sharing Clinical Reports Project (SCRP)
Classification: Uncertain significance for Breast-ovarian cancer, familial 2. Last evaluated: 2008-08-25. Review status: no assertion criteria provided. Collection method: clinical testing. Allele origin: germline. Not counted in ClinVar's aggregate classification.

Joint Genome Diagnostic Labs from Nijmegen and Maastricht, Radboudumc and MUMC+
Classification: Likely benign. Review status: no assertion criteria provided. Collection method: clinical testing. Allele origin: germline. Affected: yes. Study: VKGL Data-share Consensus. Not counted in ClinVar's aggregate classification.

Literature cited by the submitters: PubMed 28135145 (cited by All of Us Research Program, National Institutes of Health and Color Diagnostics, LLC DBA Color Health).

NM_000059.4(BRCA2):c.67+4T>C

Gene: BRCA2 (BRCA2 DNA repair associated; plus strand). Cytogenetic location: 13q13.1.
Variant type: single nucleotide variant.
Coding change: c.67+4T>C on transcript NM_000059.4 (MANE Select); 4 bases into the intron after coding-DNA position 67, T replaced by C.
Molecular consequence: intron variant.
Genome position (GRCh38, 1-based): chr13:32,316,531, T>C. VCF-style: chr13-32316531-T-C. GRCh37 (hg19) VCF-style: chr13-32890668-T-C.
Other names: IVS2+4T>C.
Identifiers: ClinVar variation 38061 (VCV000038061.28), dbSNP rs373546450, ClinGen allele CA024375.